The following is an entry in ClinVar:

ClinVar aggregate classification (germline): Uncertain significance. Review status: criteria provided, multiple submitters, no conflicts (2 of 4 stars). 3 submissions from 3 submitters: Uncertain significance (3). Last evaluated 2024-12-26.

Conditions:
Gorlin syndrome. Also called: Basal cell nevus syndrome; Nevoid Basal Cell Carcinoma Syndrome. Identifiers: Orphanet 377, MedGen C0004779, MONDO:0007187.
Medulloblastoma (MDB). Also called: MEDULLOBLASTOMA PREDISPOSITION SYNDROME; Medulloblastoma, somatic. Identifiers: Orphanet 616, MedGen C0025149, MeSH D008527, MONDO:0007959, OMIM 155255, HP:0002885.
Familial meningioma. Also called: Meningioma, familial, susceptibility to. Identifiers: Orphanet 263662, MedGen C3551915, MONDO:0011789, OMIM 607174.
Hereditary cancer-predisposing syndrome. Also called: Hereditary Cancer Syndrome; Neoplastic Syndromes, Hereditary; Tumor predisposition; Hereditary neoplastic syndrome. Identifiers: Orphanet 140162, MedGen C0027672, MeSH D009386, MONDO:0015356.

Allele frequency attached by ClinVar (database versions not stated): gnomAD exomes below 0.00001.
gnomAD v4.1: 1 of 1,614,042 alleles (0.000062%); highest among the groups gnomAD compares: Non-Finnish European, 0.000085%; no homozygotes.

Submissions (3):

Ambry Genetics
Classification: Uncertain significance for Hereditary cancer-predisposing syndrome. Last evaluated: 2024-12-26. Review status: criteria provided, single submitter. Criteria: Ambry Variant Classification Scheme 2023. Collection method: clinical testing. Allele origin: germline.
Comment: The p.E286D variant (also known as c.858G>C), located in coding exon 7 of the SUFU gene, results from a G to C substitution at nucleotide position 858. The glutamic acid at codon 286 is replaced by aspartic acid, an amino acid with highly similar properties. This amino acid position is well conserved in available vertebrate species. In addition, this alteration is predicted to be tolerated by in silico analysis. Since supporting evidence is limited at this time, the clinical significance of this alteration remains unclear.

Baylor Genetics
Classification: Uncertain significance for Familial meningioma. Last evaluated: 2023-12-18. Review status: criteria provided, single submitter. Criteria: ACMG Guidelines, 2015. Collection method: clinical testing. Allele origin: unknown.

Labcorp Genetics (formerly Invitae), Labcorp
Classification: Uncertain significance for Gorlin syndrome; Medulloblastoma. Last evaluated: 2022-09-08. Review status: criteria provided, single submitter. Criteria: Invitae Variant Classification Sherloc (09022015). Collection method: clinical testing. Allele origin: germline.
Comment: This variant has not been reported in the literature in individuals affected with SUFU-related conditions. This variant is not present in population databases (gnomAD no frequency). This sequence change replaces glutamic acid, which is acidic and polar, with aspartic acid, which is acidic and polar, at codon 286 of the SUFU protein (p.Glu286Asp). ClinVar contains an entry for this variant (Variation ID: 1352064). In summary, the available evidence is currently insufficient to determine the role of this variant in disease. Therefore, it has been classified as a Variant of Uncertain Significance. Advanced modeling of protein sequence and biophysical properties (such as structural, functional, and spatial information, amino acid conservation, physicochemical variation, residue mobility, and thermodynamic stability) performed at Invitae indicates that this missense variant is not expected to disrupt SUFU protein function.

NM_016169.4(SUFU):c.858G>C (p.Glu286Asp)

Gene: SUFU (SUFU negative regulator of hedgehog signaling; plus strand). Cytogenetic location: 10q24.32.
Variant type: single nucleotide variant.
Coding change: c.858G>C on transcript NM_016169.4 (MANE Select); coding-DNA position 858, G replaced by C.
Protein change: p.Glu286Asp; replaces glutamic acid 286 with aspartic acid.
Molecular consequence: missense variant.
Genome position (GRCh38, 1-based): chr10:102,597,241, G>C. VCF-style: chr10-102597241-G-C. GRCh37 (hg19) VCF-style: chr10-104356998-G-C.
Other names: c.858G>C, p.Glu286Asp (NM_001178133.2); short protein forms E286D.
Identifiers: ClinVar variation 1352064 (VCV001352064.12), dbSNP rs1007675139, ClinGen allele CA212267744.
Genomic context (GRCh38, chr10:102,597,241, plus strand): 5'-GAGTGGTGTCAGTGCCAAGTGTGCCTGGGATGACCTGAGCCGGCCCCCCGAGGATGACGA[G>C]GACAGCCGGAGCATCTGCATCGGCACACAGCCCCGGCGACTCTCTGGCAAAGGTGGGAGC-3'
Protein context (NP_057253.2, residues 276-296): DDLSRPPEDD[Glu286Asp]DSRSICIGTQ